The following is an entry in ClinVar:

ClinVar aggregate classification (germline): Pathogenic (1 of 4 stars; one submission).

Conditions:
Congenital adrenal insufficiency with 46, XY sex reversal OR 46,XY disorder of sex development-adrenal insufficiency due to CYP11A1 deficiency. Also called: P450scc DEFICIENCY; Congenital adrenal insuffiency with 46, XY sex reversal OR 46,XY disorder of sex development-adrenal insufficiency due to CYP11A1 deficiency. Identifiers: Orphanet 168558, MedGen C3151055, MONDO:0013400, OMIM 613743.

Submission:

Myriad Genetics, Inc.
Classification: Pathogenic for Congenital adrenal insufficiency with 46, XY sex reversal OR 46,XY disorder of sex development-adrenal insufficiency due to CYP11A1 deficiency. Last evaluated: 2025-05-05. Review status: criteria provided, single submitter. Criteria: Myriad Autosomal Dominant, Autosomal Recessive and X-Linked Classification Criteria (2023). Collection method: clinical testing. Allele origin: unknown.
Comment: NM_000781.2(CYP11A1):c.904dupC(L302Pfs*40) is expected to be pathogenic in the context of congenital adrenal hyperplasia, CYP11A1-related. This variant is predicted to lead to an abnormal or absent protein product due to the creation of a premature termination codon in CYP11A1, a gene where loss-of-function variants are known to be pathogenic. Please note: this variant was assessed in the context of healthy population screening.

NM_000781.3(CYP11A1):c.904dup (p.Leu302fs)

Gene: CYP11A1 (cytochrome P450 family 11 subfamily A member 1; minus strand). Cytogenetic location: 15q24.1.
Variant type: Duplication.
Coding change: c.904dup on transcript NM_000781.3 (MANE Select); coding-DNA position 904, one base duplicated (C; older notation c.904dupC).
Protein change: p.Leu302fs; shifts the reading frame from leucine 302.
Molecular consequence: frameshift variant.
Genome position (GRCh38, 1-based): chr15:74,343,063, G duplicated on the plus strand (C on the coding strand, the reverse complement: CYP11A1 is on the minus strand); the first of 2 consecutive G bases (chr15:74,343,063-74,343,064); duplicating either gives the same sequence. VCF-style (leftmost placement, unchanged base first): chr15-74343062-A-AG. GRCh37 (hg19) VCF-style: chr15-74635403-A-AG.
Other names: c.430dup, p.Leu144fs (NM_001099773.2); short protein forms L144fs, L302fs.
Identifiers: ClinVar variation 5014382 (VCV005014382.1).